The following is an entry in ClinVar:

ClinVar aggregate classification (germline): Uncertain significance (1 of 4 stars; one submission).

Submission:

GeneDx
Classification: Uncertain significance. Last evaluated: 2014-09-19. Review status: criteria provided, single submitter. Criteria: GeneDx Variant Classification (06012015). Collection method: clinical testing. Allele origin: germline. Affected: yes.
Comment: p.Ala299Ser (GCC>TCC): c.895 G>T in exon 10 of the MFSD8 gene (NM_152778.2). A variant of unknown significance has been identified in the MFSD8 gene. The A299S variant has not been published as a mutation, nor has it been reported as a benign polymorphism to our knowledge. It was not observed in approximately 6,500 individuals of European and African American ancestry in the NHLBI Exome Sequencing Project, indicating it is not a common benign variant in these populations. The A299S variant is a non-conservative amino acid substitution, which is likely to impact secondary protein structure as these residues differ in polarity, charge, size and/or other properties. However, this substitution occurs at a position that is not conserved across species, with the same residue change (G>T) seen in multiple other vertebrates. In silico analysis is inconsistent in its predictions as to whether or not the A299S variant is damaging to the protein structure/function. Missense mutations in nearby residues (T294K and G310D) have been reported in association with neuronal ceroid lipofuscinosis, supporting the functional importance of this region of the protein. Therefore, based on the currently available information, it is unclear whether the A299S variant is a pathogenic mutation or a rare benign variant. The variant is found in INFANT-EPI panel(s).

NM_001371596.2(MFSD8):c.895G>T (p.Ala299Ser)

Gene: MFSD8 (major facilitator superfamily domain containing 8; minus strand). Cytogenetic location: 4q28.2.
Variant type: single nucleotide variant.
Coding change: c.895G>T on transcript NM_001371596.2 (MANE Select); coding-DNA position 895, G replaced by T.
Protein change: p.Ala299Ser; replaces alanine 299 with serine.
Molecular consequence: missense variant.
Genome position (GRCh38, 1-based): chr4:127,930,786, C>A on the plus strand (G>T on the coding strand, the complement: MFSD8 is on the minus strand). VCF-style: chr4-127930786-C-A. GRCh37 (hg19) VCF-style: chr4-128851941-C-A.
Other names: p.A299S:GCC>TCC; c.694G>T, p.Ala232Ser (NM_001363520.3); c.580G>T, p.Ala194Ser (NM_001363521.3); c.760G>T, p.Ala254Ser (NM_001371590.2); c.895G>T, p.Ala299Ser (NM_001371591.2, NM_152778.4); c.901G>T, p.Ala301Ser (NM_001371592.2); c.781G>T, p.Ala261Ser (NM_001371593.2, NM_001410766.1); c.748G>T, p.Ala250Ser (NM_001371594.2); and 2 more; short protein forms A299S, A194S, A232S, A205S, A250S, A254S, A261S, A301S.
Identifiers: ClinVar variation 206172 (VCV000206172.4), dbSNP rs796052750, ClinGen allele CA316002.